The following is an entry in ClinVar:

NM_000295.5(SERPINA1):c.369C>A (p.Leu123=)

Gene: SERPINA1 (serpin family A member 1; minus strand). Cytogenetic location: 14q32.13.
Variant type: single nucleotide variant.
Coding change: c.369C>A on transcript NM_000295.5 (MANE Select); coding-DNA position 369, C replaced by A.
Protein change: p.Leu123=; no amino-acid change (leucine 123 retained).
Molecular consequence: synonymous variant.
Genome position (GRCh38, 1-based): chr14:94,382,869, G>T on the plus strand (C>A on the coding strand, the complement: SERPINA1 is on the minus strand). VCF-style: chr14-94382869-G-T. GRCh37 (hg19) VCF-style: chr14-94849206-G-T.
Other names: c.369C>A (NM_000295.4); c.369C>A, p.Leu123= (NM_001002235.3, NM_001002236.3, NM_001127700.2 and 7 more transcripts).
Identifiers: ClinVar variation 1152783 (VCV001152783.10), dbSNP rs2139693491, ClinGen allele CA487841144.

ClinVar aggregate classification (germline): Likely benign. Review status: criteria provided, single submitter (1 of 4 stars). 2 submissions from 2 submitters: Likely benign (1). 1 of the submissions does not count toward it. Last evaluated 2022-04-09.

Conditions:
Alpha-1-antitrypsin deficiency (A1ATD). Also called: Alpha1-Antitrypsin Deficiency; AAT deficiency; A1AT deficiency. Identifiers: Orphanet 60, MedGen C0221757, MONDO:0013282, OMIM 613490.
SERPINA1-related disorder. Also called: SERPINA1-related condition; SerpinA1-related disorders.

Submissions (2):

Labcorp Genetics (formerly Invitae), Labcorp
Classification: Likely benign for Alpha-1-antitrypsin deficiency. Last evaluated: 2022-04-09. Review status: criteria provided, single submitter. Criteria: Invitae Variant Classification Sherloc (09022015). Collection method: clinical testing. Allele origin: germline.

PreventionGenetics, part of Exact Sciences
Classification: Likely benign for SERPINA1-related condition. Last evaluated: 2024-08-08. Review status: no assertion criteria provided. Collection method: clinical testing. Allele origin: germline. Not counted in ClinVar's aggregate classification.
Comment: This variant is classified as likely benign based on ACMG/AMP sequence variant interpretation guidelines (Richards et al. 2015 PMID: 25741868, with internal and published modifications).